The following is an entry in ClinVar:

NM_000143.4(FH):c.907_910del (p.Pro304fs)

Gene: FH (fumarate hydratase; minus strand). Cytogenetic location: 1q43.
Variant type: Deletion.
Coding change: c.907_910del on transcript NM_000143.4 (MANE Select); coding-DNA positions 907 to 910, 4 bases deleted (TTGC; older notation c.907_910delTTGC).
Protein change: p.Pro304fs; shifts the reading frame from proline 304.
Molecular consequence: frameshift variant.
Genome position (GRCh38, 1-based): chr1:241,504,240-241,504,243, GCAA deleted on the plus strand (TTGC on the coding strand, the reverse complement: FH is on the minus strand); deleting any 4 consecutive bases within chr1:241,504,240-241,504,245 gives the same sequence; the c. name uses the placement nearest the transcript's 3' end. VCF-style (leftmost placement, unchanged base first): chr1-241504239-GGCAA-G. GRCh37 (hg19) VCF-style: chr1-241667539-GGCAA-G.
Other names: c.907_910delTTGC (NM_000143.3); short protein forms P304fs.
Identifiers: ClinVar variation 1765675 (VCV001765675.8), dbSNP rs2527319814, ClinGen allele CA2580063491.

ClinVar aggregate classification (germline): Pathogenic. Review status: criteria provided, multiple submitters, no conflicts (2 of 4 stars). 4 submissions from 4 submitters: Pathogenic (4). Last evaluated 2024-05-22.

Conditions:
Hereditary cancer-predisposing syndrome. Also called: Neoplastic Syndromes, Hereditary; Tumor predisposition; Hereditary Cancer Syndrome; Hereditary neoplastic syndrome. Identifiers: Orphanet 140162, MedGen C0027672, MeSH D009386, MONDO:0015356.
Hereditary leiomyomatosis and renal cell cancer. Also called: MULTIPLE CUTANEOUS AND UTERINE LEIOMYOMATA 1, WITH OR WITHOUT RENAL CELL CARCINOMA; LEIOMYOMA, MULTIPLE CUTANEOUS; Reed syndrome; Multiple cutaneous and uterine leiomyomatosis; Cutaneous leiomyomata with uterine leiomyomata; Leiomyoma, hereditary multiple, of skin. Identifiers: Orphanet 523, MedGen C1708350, MONDO:0007888, OMIM 150800, HP:0007437. Disease mechanism: loss of function.

Submissions (4):

Institute of Human Genetics, University of Leipzig Medical Center
Classification: Pathogenic for Hereditary leiomyomatosis and renal cell cancer. Last evaluated: 2024-05-22. Review status: criteria provided, single submitter. Criteria: ACMG Guidelines, 2015. Collection method: clinical testing. Allele origin: unknown. Inheritance: Autosomal dominant inheritance. Affected: yes.
Comment: Criteria applied: PVS1,PS4_SUP,PM2_SUP

Myriad Genetics, Inc.
Classification: Pathogenic for Hereditary leiomyomatosis and renal cell cancer. Last evaluated: 2023-07-05. Review status: criteria provided, single submitter. Criteria: Myriad Autosomal Dominant, Autosomal Recessive and X-Linked Classification Criteria (2023). Collection method: clinical testing. Allele origin: unknown.
Comment: This variant is considered pathogenic. This variant creates a frameshift predicted to result in premature protein truncation.

Labcorp Genetics (formerly Invitae), Labcorp
Classification: Pathogenic. Last evaluated: 2023-03-25. Review status: criteria provided, single submitter. Criteria: Invitae Variant Classification Sherloc (09022015). Collection method: clinical testing. Allele origin: germline.
Comment: For these reasons, this variant has been classified as Pathogenic. ClinVar contains an entry for this variant (Variation ID: 1765675). This sequence change creates a premature translational stop signal (p.Pro304Leufs*24) in the FH gene. It is expected to result in an absent or disrupted protein product. Loss-of-function variants in FH are known to be pathogenic (PMID: 11865300, 21398687). This variant is not present in population databases (gnomAD no frequency). This variant has not been reported in the literature in individuals affected with FH-related conditions.

Ambry Genetics
Classification: Pathogenic for Hereditary cancer-predisposing syndrome. Last evaluated: 2022-05-03. Review status: criteria provided, single submitter. Criteria: Ambry Variant Classification Scheme 2023. Collection method: clinical testing. Allele origin: germline.
Comment: The c.907_910delTTGC pathogenic mutation, located in coding exon 7 of the FH gene, results from a deletion of 4 nucleotides at nucleotide positions 907 to 910, causing a translational frameshift with a predicted alternate stop codon (p.P304Lfs*24). This variant is considered to be rare based on population cohorts in the Genome Aggregation Database (gnomAD). This alteration is expected to result in loss of function by premature protein truncation or nonsense-mediated mRNA decay. As such, this alteration is interpreted as a disease-causing mutation.

Literature cited by the submitters: PubMed 11865300 (cited by Labcorp Genetics (formerly Invitae), Labcorp); PubMed 21398687 (cited by Labcorp Genetics (formerly Invitae), Labcorp).